The following is an entry in ClinVar:

ClinVar aggregate classification (germline): Likely benign (1 of 4 stars; one submission).

Allele frequency attached by ClinVar (database versions not stated): gnomAD exomes below 0.00001.
gnomAD v4.1: 8 of 1,531,316 alleles (0.00052%); highest among the groups gnomAD compares: Non-Finnish European, 0.00053%; 1 homozygote.

Submission:

CeGaT Center for Human Genetics Tuebingen
Classification: Likely benign. Last evaluated: 2023-01-01. Review status: criteria provided, single submitter. Criteria: CeGaT Center For Human Genetics Tuebingen Variant Classification Criteria Version 2. Collection method: clinical testing. Allele origin: germline. Affected: yes. Observed: 1 variant allele.
Comment: HMCN2: PM2:Supporting, BP4, BP7

NM_001291815.2(HMCN2):c.14319C>T (p.Pro4773=)

Gene: HMCN2 (hemicentin 2; plus strand). Cytogenetic location: 9q34.11.
Variant type: single nucleotide variant.
Coding change: c.14319C>T on transcript NM_001291815.2 (MANE Select); coding-DNA position 14319, C replaced by T.
Protein change: p.Pro4773=; no amino-acid change (proline 4773 retained).
Molecular consequence: synonymous variant.
Genome position (GRCh38, 1-based): chr9:130,429,678, C>T. VCF-style: chr9-130429678-C-T. GRCh37 (hg19) VCF-style: chr9-133305065-C-T.
Identifiers: ClinVar variation 2659606 (VCV002659606.24), dbSNP rs2491700018, ClinGen allele CA467386242.
Genomic context (GRCh38, chr9:130,429,678, plus strand): 5'-CCCAGGCGGTCACCGCTGCAGCTGCCCCAGGGGTTACCGGATGCAGGGCCCCAGCCTGCC[C>T]TGCCTAGGTACGGGGACACCCACCCTCTGGCCACACCGCTGCAGCTGCCCCAGGGGTTAC-3'
Protein context (NP_001278744.1, residues 4763-4783): RGYRMQGPSL[Pro4773=]CLDVNECLQL